The following is an entry in ClinVar:

NM_001165963.4(SCN1A):c.4688A>G (p.Asp1563Gly)

Genes: SCN1A (sodium voltage-gated channel alpha subunit 1; minus strand), LOC102724058 (uncharacterized LOC102724058; plus strand). Cytogenetic location: 2q24.3.
Variant type: single nucleotide variant.
Coding change: c.4688A>G on transcript NM_001165963.4 (MANE Select); coding-DNA position 4688, A replaced by G.
Protein change: p.Asp1563Gly; replaces aspartic acid 1563 with glycine.
Molecular consequence: missense variant. On other transcripts: non-coding transcript variant (1).
Genome position (GRCh38, 1-based): chr2:165,994,310, T>C on the plus strand (A>G on the coding strand, the complement: SCN1A is on the minus strand). VCF-style: chr2-165994310-T-C. GRCh37 (hg19) VCF-style: chr2-166850820-T-C.
Other names: c.4604A>G, p.Asp1535Gly (NM_001165964.3, NM_001353957.2, NM_001353958.2); c.4688A>G, p.Asp1563Gly (NM_001202435.3, NM_001353948.2); c.4655A>G, p.Asp1552Gly (NM_001353949.2, NM_001353950.2, NM_006920.6 and 2 more transcripts); c.4652A>G, p.Asp1551Gly (NM_001353954.2, NM_001353955.2); c.4601A>G, p.Asp1534Gly (NM_001353960.2); c.2246A>G, p.Asp749Gly (NM_001353961.2); short protein forms D1551G, D1534G, D1552G, D1535G, D1563G, D749G.
Identifiers: ClinVar variation 3634008 (VCV003634008.2).

ClinVar aggregate classification (germline): Uncertain significance (1 of 4 stars; one submission).

Conditions:
Early-infantile DEE. Also called: Early infantile epileptic encephalopathy; Ohtahara syndrome; Early infantile epileptic encephalopathy with suppression bursts. Identifiers: Orphanet 1934, MedGen C0393706, MONDO:0800491.

Submission:

Labcorp Genetics (formerly Invitae), Labcorp
Classification: Uncertain significance for Early-infantile DEE. Last evaluated: 2024-12-28. Review status: criteria provided, single submitter. Criteria: Invitae Variant Classification Sherloc (09022015). Collection method: clinical testing. Allele origin: germline.
Comment: This sequence change replaces aspartic acid, which is acidic and polar, with glycine, which is neutral and non-polar, at codon 1563 of the SCN1A protein (p.Asp1563Gly). This variant is not present in population databases (gnomAD no frequency). This variant has not been reported in the literature in individuals affected with SCN1A-related conditions. Invitae Evidence Modeling of protein sequence and biophysical properties (such as structural, functional, and spatial information, amino acid conservation, physicochemical variation, residue mobility, and thermodynamic stability) indicates that this missense variant is expected to disrupt SCN1A protein function with a positive predictive value of 95%. In summary, the available evidence is currently insufficient to determine the role of this variant in disease. Therefore, it has been classified as a Variant of Uncertain Significance.